The following is an entry in ClinVar:

NM_023110.3(FGFR1):c.-88G>T

Gene: FGFR1 (fibroblast growth factor receptor 1; minus strand). Cytogenetic location: 8p11.23.
Variant type: single nucleotide variant.
Coding change: c.-88G>T on transcript NM_023110.3 (MANE Select); 88 bases upstream of the start codon, G replaced by T.
Molecular consequence: 5 prime UTR variant. On other transcripts: missense variant (1).
Genome position (GRCh38, 1-based): chr8:38,457,534, C>A on the plus strand (G>T on the coding strand, the complement: FGFR1 is on the minus strand). VCF-style: chr8-38457534-C-A. GRCh37 (hg19) VCF-style: chr8-38315052-C-A.
Other names: c.-88G>T (NM_000604.2, NM_001174063.2, NM_001174065.2 and 9 more transcripts); c.-180G>T (NM_001174064.2); c.12G>T, p.Arg4Ser (NM_001174067.2); short protein forms R4S.
Identifiers: ClinVar variation 2630046 (VCV002630046.2), dbSNP rs1833188341, ClinGen allele CA370767499.
Genomic context (GRCh38, chr8:38,457,534, plus strand): 5'-CAAGGCTCCACATCTCCATGGATACTCCACAGTGAGCTCGATCCTCCTTTTCAAACTGAC[C>A]CTGAGGAAAGGAAAAAAACCCCAAAAGTTAGGAGGGTCTAGGTAGGGGAGGGGAAAGGAA-3'

ClinVar aggregate classification (germline): Uncertain significance. Review status: criteria provided, multiple submitters, no conflicts (2 of 4 stars). 2 submissions from 2 submitters: Uncertain significance (2). Last evaluated 2024-05-14.

Conditions:
FGFR1-related disorder. Also called: FGFR1-related condition; FGFR1-related disorders. Identifiers: MedGen CN380097.

Submissions (2):

GeneDx
Classification: Uncertain significance. Last evaluated: 2024-05-14. Review status: criteria provided, single submitter. Criteria: GeneDx Variant Classification Process June 2021. Collection method: clinical testing. Allele origin: germline. Affected: yes.
Comment: Not observed at significant frequency in large population cohorts (gnomAD); In silico analysis indicates that this missense variant does not alter protein structure/function; Has not been previously published as pathogenic or benign to our knowledge; Reported using an alternate transcript of the gene

PreventionGenetics, part of Exact Sciences
Classification: Uncertain significance for FGFR1-related condition. Last evaluated: 2022-12-19. Review status: criteria provided, single submitter. Criteria: ACMG Guidelines, 2015. Collection method: clinical testing. Allele origin: germline.
Comment: The FGFR1 c.12G>T variant is predicted to result in the amino acid substitution p.Arg4Ser. Of note, this variant is located in an alternate transcript; in the main transcript (NM_023110.3), this variant is located in 5’ untranslated region (c.-88G>T). This variant has not been reported in a large population database, indicating this variant is rare. At this time, the clinical significance of this variant is uncertain due to the absence of conclusive functional and genetic evidence.